The following is an entry in ClinVar:

NM_022168.4(IFIH1):c.1510G>A (p.Glu504Lys)

Gene: IFIH1 (interferon induced with helicase C domain 1; minus strand). Cytogenetic location: 2q24.2.
Variant type: single nucleotide variant.
Coding change: c.1510G>A on transcript NM_022168.4 (MANE Select); coding-DNA position 1510, G replaced by A.
Protein change: p.Glu504Lys; replaces glutamic acid 504 with lysine.
Molecular consequence: missense variant.
Genome position (GRCh38, 1-based): chr2:162,281,342, C>T on the plus strand (G>A on the coding strand, the complement: IFIH1 is on the minus strand). VCF-style: chr2-162281342-C-T. GRCh37 (hg19) VCF-style: chr2-163137852-C-T.
Other names: short protein forms E504K.
Identifiers: ClinVar variation 1021983 (VCV001021983.8), dbSNP rs772032662, ClinGen allele CA349002020.

ClinVar aggregate classification (germline): Uncertain significance (1 of 4 stars; one submission).

Conditions:
Singleton-Merten syndrome 1 (SGMRT1). Also called: Widened medullary cavities of bone, aortic calcification, abnormal dentition, and muscular weakness; Syndrome of widened medullary cavities of the metacarpals and phalanges, aortic calcification and abnormal dentition. Identifiers: Orphanet 85191, MedGen C4225427, MONDO:0024535, OMIM 182250.
Aicardi-Goutieres syndrome 7 (AGS7). Identifiers: Orphanet 51, MedGen C3888244, MONDO:0014367, OMIM 615846.

Submission:

Labcorp Genetics (formerly Invitae), Labcorp
Classification: Uncertain significance for Aicardi-Goutieres syndrome 7; Singleton-Merten syndrome 1. Last evaluated: 2022-01-16. Review status: criteria provided, single submitter. Criteria: Invitae Variant Classification Sherloc (09022015). Collection method: clinical testing. Allele origin: germline.
Comment: ClinVar contains an entry for this variant (Variation ID: 1021983). In summary, the available evidence is currently insufficient to determine the role of this variant in disease. Therefore, it has been classified as a Variant of Uncertain Significance. Algorithms developed to predict the effect of missense changes on protein structure and function output the following: SIFT: "Tolerated"; PolyPhen-2: "Benign"; Align-GVGD: "Class C0". The lysine amino acid residue is found in multiple mammalian species, which suggests that this missense change does not adversely affect protein function. This variant has not been reported in the literature in individuals affected with IFIH1-related conditions. This variant is not present in population databases (gnomAD no frequency). This sequence change replaces glutamic acid, which is acidic and polar, with lysine, which is basic and polar, at codon 504 of the IFIH1 protein (p.Glu504Lys).